The following is an entry in ClinVar:

ClinVar aggregate classification (germline): Likely benign (1 of 4 stars; one submission).

Conditions:
DNAH6-related disorder. Also called: DNAH6-related condition.

gnomAD v4.1: 8 of 1,549,940 alleles (0.00052%); highest among the groups gnomAD compares: Non-Finnish European, 0.0007%; no homozygotes.

Submission:

PreventionGenetics, part of Exact Sciences
Classification: Likely benign for DNAH6-related condition. Last evaluated: 2025-08-20. Review status: criteria provided, single submitter. Criteria: ACMG Guidelines, 2015. Collection method: clinical testing. Allele origin: germline.
Comment: This variant is classified as likely benign based on ACMG/AMP sequence variant interpretation guidelines (Richards et al. 2015 PMID: 25741868, with internal and published modifications).

NM_001370.2(DNAH6):c.3471G>A (p.Gln1157=)

Gene: DNAH6 (dynein axonemal heavy chain 6; plus strand). Cytogenetic location: 2p11.2.
Variant type: single nucleotide variant.
Coding change: c.3471G>A on transcript NM_001370.2 (MANE Select); coding-DNA position 3471, G replaced by A.
Protein change: p.Gln1157=; no amino-acid change (glutamine 1157 retained).
Molecular consequence: synonymous variant.
Genome position (GRCh38, 1-based): chr2:84,611,850, G>A. VCF-style: chr2-84611850-G-A. GRCh37 (hg19) VCF-style: chr2-84838974-G-A.
Identifiers: ClinVar variation 4988465 (VCV004988465.1).